The following is an entry in ClinVar:

ClinVar aggregate classification (germline): Uncertain significance (1 of 4 stars; one submission).

Submission:

Labcorp Genetics (formerly Invitae), Labcorp
Classification: Uncertain significance. Last evaluated: 2024-09-04. Review status: criteria provided, single submitter. Criteria: Invitae Variant Classification Sherloc (09022015). Collection method: clinical testing. Allele origin: germline.
Comment: This sequence change falls in intron 59 of the COL11A1 gene. It does not directly change the encoded amino acid sequence of the COL11A1 protein. This variant is present in population databases (rs760592267, gnomAD 0.002%). This variant has not been reported in the literature in individuals affected with COL11A1-related conditions. Algorithms developed to predict the effect of sequence changes on RNA splicing suggest that this variant may disrupt the consensus splice site. In summary, the available evidence is currently insufficient to determine the role of this variant in disease. Therefore, it has been classified as a Variant of Uncertain Significance.

NM_001854.4(COL11A1):c.4465-10CT[3]

Gene: COL11A1 (collagen type XI alpha 1 chain; minus strand). Cytogenetic location: 1p21.1.
Variant type: Microsatellite.
Coding change: c.4465-10CT[3] on transcript NM_001854.4 (MANE Select); three copies in a row of the 2-base unit CT starting at c.4465-10; the reference has four copies in a row; one copy, 2 bases deleted.
Molecular consequence: intron variant.
Genome position (GRCh38, 1-based): chr1:102,888,922-102,888,923, AG deleted on the plus strand (CT on the coding strand, the reverse complement: COL11A1 is on the minus strand); deleting any 2 consecutive bases within chr1:102,888,922-102,888,930 gives the same sequence; the position shown is the placement nearest the transcript's 3' end. VCF-style (leftmost placement, unchanged base first): chr1-102888921-TAG-T. GRCh37 (hg19) VCF-style: chr1-103354477-TAG-T.
Other names: c.4348-10CT[3] (NM_001190709.2); c.4501-10CT[3] (NM_080629.3); c.4117-10CT[3] (NM_080630.4).
Identifiers: ClinVar variation 2795866 (VCV002795866.3), dbSNP rs760592267, ClinGen allele CA973512.
Genomic context (GRCh38, chr1:102,888,921, plus strand): 5'-CTTACTGGTAAACCTGGAGGACCAGGTGGACCTAAGGGACCAGCAGGACCAGGAATTCCC[TAG>T]AGAGAGAATCAGCCAATTTAAAGGGATTTTCTCAGCTATTTCATTTTCATGTTTTCATAA-3'